The following is an entry in ClinVar:

NM_001131016.2(CIZ1):c.1170G>T (p.Gln390His)

Gene: CIZ1 (CDKN1A interacting zinc finger protein 1; minus strand). Cytogenetic location: 9q34.11.
Variant type: single nucleotide variant.
Coding change: c.1170G>T on transcript NM_001131016.2 (MANE Select); coding-DNA position 1170, G replaced by T.
Protein change: p.Gln390His; replaces glutamine 390 with histidine.
Molecular consequence: missense variant. On other transcripts: intron variant (3).
Genome position (GRCh38, 1-based): chr9:128,179,037, C>A on the plus strand (G>T on the coding strand, the complement: CIZ1 is on the minus strand). VCF-style: chr9-128179037-C-A. GRCh37 (hg19) VCF-style: chr9-130941316-C-A.
Other names: c.1260G>T, p.Gln420His (NM_001257975.2); c.867G>T, p.Gln289His (NM_001257976.2); c.1170G>T, p.Gln390His (NM_012127.3); c.1134+36G>T (NM_001131015.2); c.1062+36G>T (NM_001131018.2); c.1119+36G>T (NM_001131017.2); short protein forms Q390H, Q420H, Q289H.
Identifiers: ClinVar variation 240851 (VCV000240851.40), dbSNP rs61740197, ClinGen allele CA5257368.
Genomic context (GRCh38, chr9:128,179,037, plus strand): 5'-CTGGGGCTGCACCTGTGGCTGCACCTGCTTCAGCGGCTCTGCCTCCTGCTGCAGCTGCAC[C>A]TGCCTTGGGCCCTGTGAATGTGCCTGTGGCTGTACCTGTGGCTGCACCTGCTTCTGTGGC-3'
Protein context (NP_001124488.1, residues 380-400): QPQAHSQGPR[Gln390His]VQLQQEAEPL

ClinVar aggregate classification (germline): Benign/Likely benign. Review status: criteria provided, multiple submitters, no conflicts (2 of 4 stars). 6 submissions from 6 submitters: Benign (1); Likely benign (2). 3 of the submissions do not count toward it. Last evaluated 2026-02-03.

Conditions:
CIZ1-related disorder. Also called: CIZ1-related condition.
Dystonic disorder. Also called: Dystonia. Identifiers: MedGen C0013421, MONDO:0003441, HP:0001332.

Allele frequency attached by ClinVar (database versions not stated): 1000 Genomes Project 30x 0.00094; 1000 Genomes Project 0.00100; ExAC 0.00418; gnomAD exomes 0.00428; TOPMed 0.00505; gnomAD 0.00514 and 0.00532; ESP Exome Variant Server 0.00584.
gnomAD v4.1: 11,187 of 1,613,994 alleles (0.69%); highest among the groups gnomAD compares: Non-Finnish European, 0.87%; 36 homozygotes.

Submissions (6):

Labcorp Genetics (formerly Invitae), Labcorp
Classification: Benign for Dystonic disorder. Last evaluated: 2026-02-03. Review status: criteria provided, single submitter. Criteria: Invitae Variant Classification Sherloc (09022015). Collection method: clinical testing. Allele origin: germline.

CeGaT Center for Human Genetics Tuebingen
Classification: Likely benign. Last evaluated: 2025-07-01. Review status: criteria provided, single submitter. Criteria: CeGaT Center For Human Genetics Tuebingen Variant Classification Criteria Version 2. Collection method: clinical testing. Allele origin: germline. Affected: yes. Observed: 4 variant alleles.
Comment: CIZ1: BP4, BS2

Blueprint Genetics
Classification: Likely benign. Last evaluated: 2024-11-26. Review status: criteria provided, single submitter. Criteria: ACMG Guidelines, 2015. Collection method: clinical testing. Allele origin: germline.

PreventionGenetics, part of Exact Sciences
Classification: Benign for CIZ1-related condition. Last evaluated: 2019-06-05. Review status: no assertion criteria provided. Collection method: clinical testing. Allele origin: germline. Not counted in ClinVar's aggregate classification.
Comment: This variant is classified as benign based on ACMG/AMP sequence variant interpretation guidelines (Richards et al. 2015 PMID: 25741868, with internal and published modifications).

Clinical Genetics DNA and cytogenetics Diagnostics Lab, Erasmus MC, Erasmus Medical Center
Classification: Likely benign. Review status: no assertion criteria provided. Collection method: clinical testing. Allele origin: germline. Affected: yes. Study: VKGL Data-share Consensus. Not counted in ClinVar's aggregate classification.

Diagnostic Laboratory, Department of Genetics, University Medical Center Groningen
Classification: Likely benign. Review status: no assertion criteria provided. Collection method: clinical testing. Allele origin: germline. Affected: yes. Study: VKGL Data-share Consensus. Not counted in ClinVar's aggregate classification.